The following is an entry in ClinVar:

ClinVar aggregate classification (germline): Likely benign (1 of 4 stars; one submission).

gnomAD v4.1: 18 of 1,210,894 alleles (0.0015%); highest among the groups gnomAD compares: South Asian, 0.014%; no homozygotes.

Submission:

CeGaT Center for Human Genetics Tuebingen
Classification: Likely benign. Last evaluated: 2025-02-01. Review status: criteria provided, single submitter. Criteria: CeGaT Center For Human Genetics Tuebingen Variant Classification Criteria Version 2. Collection method: clinical testing. Allele origin: germline. Affected: yes. Observed: 1 variant allele.
Comment: BCORL1: BP4, BP7, BS2

NM_001379451.1(BCORL1):c.5184C>T (p.Ala1728=)

Gene: BCORL1 (BCL6 corepressor like 1; plus strand). Cytogenetic location: Xq26.1.
Variant type: single nucleotide variant.
Coding change: c.5184C>T on transcript NM_001379451.1 (MANE Select); coding-DNA position 5184, C replaced by T.
Protein change: p.Ala1728=; no amino-acid change (alanine 1728 retained).
Molecular consequence: synonymous variant.
Genome position (GRCh38, 1-based): chrX:130,055,962, C>T. VCF-style: chrX-130055962-C-T. GRCh37 (hg19) VCF-style: chrX-129189937-C-T.
Other names: c.5184C>T, p.Ala1728= (NM_001184772.3, NM_001379450.1); c.4962C>T, p.Ala1654= (NM_021946.5).
Identifiers: ClinVar variation 3770801 (VCV003770801.13).
Genomic context (GRCh38, chrX:130,055,962, plus strand): 5'-TTCCTCGAGGATCTTTCAGGCCCGGTTCCCGCACTTTGAAATCACCACCATGCCCAAGGC[C>T]GAGTTCTACAGGCAGGTGGCCTCCAGTCAGCTGCTGACCCCTGCCGAGAGGCCTGGAGGC-3'
Protein context (NP_001366380.1, residues 1718-1738): PHFEITTMPK[Ala1728=]EFYRQVASSQ